The following is an entry in ClinVar:

ClinVar aggregate classification (germline): Uncertain significance (1 of 4 stars; one submission).

Submission:

Labcorp Genetics (formerly Invitae), Labcorp
Classification: Uncertain significance. Last evaluated: 2023-06-20. Review status: criteria provided, single submitter. Criteria: Invitae Variant Classification Sherloc (09022015). Collection method: clinical testing. Allele origin: unknown.
Comment: In summary, the available evidence is currently insufficient to determine the role of this variant in disease. Therefore, it has been classified as a Variant of Uncertain Significance. Experimental studies and prediction algorithms are not available or were not evaluated, and the functional significance of this variant is currently unknown. This variant has not been reported in the literature in individuals affected with SPTB-related conditions. This variant results in a copy number gain of the genomic region encompassing exon(s) 20-31 of the SPTB gene. This region includes the termination codon of the gene. This copy number gain extends beyond the assayed region for this gene and therefore may encompass additional genes. As the precise location of this event is unknown, it may be in tandem or it may be located elsewhere in the genome.

NC_000014.8:g.(?_65233375)_(65246669_?)dup

Gene: SPTB (spectrin beta, erythrocytic; minus strand). Cytogenetic location: 14q23.3.
Variant type: Duplication.
Identifiers: ClinVar variation 3244056 (VCV003244056.1).